The following is an entry in ClinVar:

NM_000138.5(FBN1):c.3788G>T (p.Cys1263Phe)

Gene: FBN1 (fibrillin 1; minus strand). Cytogenetic location: 15q21.1.
Variant type: single nucleotide variant.
Coding change: c.3788G>T on transcript NM_000138.5 (MANE Select); coding-DNA position 3788, G replaced by T.
Protein change: p.Cys1263Phe; replaces cysteine 1263 with phenylalanine.
Molecular consequence: missense variant.
Genome position (GRCh38, 1-based): chr15:48,483,868, C>A on the plus strand (G>T on the coding strand, the complement: FBN1 is on the minus strand). VCF-style: chr15-48483868-C-A. GRCh37 (hg19) VCF-style: chr15-48776065-C-A.
Other names: c.3788G>T, p.Cys1263Phe (NM_001406716.1); short protein forms C1263F.
Identifiers: ClinVar variation 2949946 (VCV002949946.3), dbSNP rs2505540873, ClinGen allele CA392323827.

ClinVar aggregate classification (germline): Pathogenic (1 of 4 stars; one submission).

Conditions:
Marfan syndrome (MFS). Also called: MARFAN SYNDROME, TYPE I; Marfan syndrome type 1; Marfan's syndrome; Marfan syndrome, classic; FBN1-Related Marfan Syndrome. Identifiers: Orphanet 284963, Orphanet 558, MedGen C0024796, MONDO:0007947, OMIM 154700.
Familial thoracic aortic aneurysm and aortic dissection (TAAD). Also called: Thoracic aortic aneurysms and dissections. Identifiers: Orphanet 91387, MedGen C4707243, MONDO:0019625.

Allele frequency attached by ClinVar (database versions not stated): gnomAD exomes below 0.00001.
gnomAD v4.1: 1 of 1,613,802 alleles (0.000062%); highest among the groups gnomAD compares: South Asian, 0.0011%; no homozygotes.

Submission:

Labcorp Genetics (formerly Invitae), Labcorp
Classification: Pathogenic for Marfan syndrome; Familial thoracic aortic aneurysm and aortic dissection. Last evaluated: 2023-07-20. Review status: criteria provided, single submitter. Criteria: Invitae Variant Classification Sherloc (09022015). Collection method: clinical testing. Allele origin: germline.
Comment: This sequence change replaces cysteine, which is neutral and slightly polar, with phenylalanine, which is neutral and non-polar, at codon 1263 of the FBN1 protein (p.Cys1263Phe). This variant is not present in population databases (gnomAD no frequency). This missense change has been observed in individual(s) with clinical features of Marfan syndrome (Invitae). Advanced modeling of protein sequence and biophysical properties (such as structural, functional, and spatial information, amino acid conservation, physicochemical variation, residue mobility, and thermodynamic stability) performed at Invitae indicates that this missense variant is expected to disrupt FBN1 protein function. This variant affects a cysteine residue in the EGF-like, TGFBP or hybrid motif domains of FBN1. Cysteine residues are believed to be involved in intramolecular disulfide bridges and have been shown to be important for FBN1 protein structure (PMID: 16905551, 19349279). In addition, missense substitutions affecting cysteine residues within these domains are significantly overrepresented among patients with Marfan syndrome (PMID: 16571647, 17701892). This variant disrupts the p.Cys1263 amino acid residue in FBN1. Other variant(s) that disrupt this residue have been observed in individuals with FBN1-related conditions (PMID: 19159394, 27906200), which suggests that this may be a clinically significant amino acid residue. For these reasons, this variant has been classified as Pathogenic.

Literature cited by the submitters: PubMed 16905551; PubMed 19349279; PubMed 16571647; PubMed 17701892; PubMed 19159394; PubMed 27906200.